The following is an entry in ClinVar:

NM_002633.3(PGM1):c.1160G>A (p.Arg387His)

Gene: PGM1 (phosphoglucomutase 1; plus strand). Cytogenetic location: 1p31.3.
Variant type: single nucleotide variant.
Coding change: c.1160G>A on transcript NM_002633.3 (MANE Select); coding-DNA position 1160, G replaced by A.
Protein change: p.Arg387His; replaces arginine 387 with histidine.
Molecular consequence: missense variant.
Genome position (GRCh38, 1-based): chr1:63,648,532, G>A. VCF-style: chr1-63648532-G-A. GRCh37 (hg19) VCF-style: chr1-64114203-G-A.
Other names: p.Arg387His; c.1214G>A, p.Arg405His (NM_001172818.1); c.569G>A, p.Arg190His (NM_001172819.2); short protein forms R190H, R387H, R405H.
Identifiers: ClinVar variation 1313936 (VCV001313936.7), dbSNP rs548040301, ClinGen allele CA889756.

ClinVar aggregate classification (germline): Uncertain significance. Review status: criteria provided, multiple submitters, no conflicts (2 of 4 stars). 4 submissions from 4 submitters: Uncertain significance (4). Last evaluated 2023-06-29.

Conditions:
Inborn genetic diseases. Identifiers: MedGen C0950123, MeSH D030342.
PGM1-congenital disorder of glycosylation. Also called: CDG It; Congenital disorder of glycosylation type 1t; PHOSPHOGLUCOMUTASE 1 DEFICIENCY; PGM1 DEFICIENCY; GLYCOGEN STORAGE DISEASE XIV; GSD XIV. Identifiers: Orphanet 319646, MedGen C2752015, MONDO:0013968, OMIM 614921.

Allele frequency attached by ClinVar (database versions not stated): gnomAD exomes 0.00004; ExAC 0.00005; 1000 Genomes Project 30x 0.00016; 1000 Genomes Project 0.00020.
gnomAD v4.1: 57 of 1,614,074 alleles (0.0035%); highest among the groups gnomAD compares: East Asian, 0.013%; no homozygotes.

Submissions (4):

Ambry Genetics
Classification: Uncertain significance for Inborn genetic diseases. Last evaluated: 2023-06-29. Review status: criteria provided, single submitter. Criteria: Ambry Variant Classification Scheme 2023. Collection method: clinical testing. Allele origin: germline.

Mayo Clinic Laboratories, Mayo Clinic
Classification: Uncertain significance. Last evaluated: 2023-03-30. Review status: criteria provided, single submitter. Criteria: ACMG Guidelines, 2015. Collection method: clinical testing. Allele origin: germline. Observed: 1 variant allele.
Comment: PM2

Labcorp Genetics (formerly Invitae), Labcorp
Classification: Uncertain significance for PGM1-congenital disorder of glycosylation. Last evaluated: 2022-07-06. Review status: criteria provided, single submitter. Criteria: Invitae Variant Classification Sherloc (09022015). Collection method: clinical testing. Allele origin: germline.
Comment: This sequence change replaces arginine, which is basic and polar, with histidine, which is basic and polar, at codon 387 of the PGM1 protein (p.Arg387His). This variant is present in population databases (rs548040301, gnomAD 0.02%). This variant has not been reported in the literature in individuals affected with PGM1-related conditions. ClinVar contains an entry for this variant (Variation ID: 1313936). Algorithms developed to predict the effect of missense changes on protein structure and function (SIFT, PolyPhen-2, Align-GVGD) all suggest that this variant is likely to be disruptive. In summary, the available evidence is currently insufficient to determine the role of this variant in disease. Therefore, it has been classified as a Variant of Uncertain Significance.

GeneDx
Classification: Uncertain significance. Last evaluated: 2021-01-06. Review status: criteria provided, single submitter. Criteria: GeneDx Variant Classification Process June 2021. Collection method: clinical testing. Allele origin: germline. Affected: yes.
Comment: In silico analysis supports that this missense variant has a deleterious effect on protein structure/function; Has not been previously published as pathogenic or benign to our knowledge